The following is an entry in ClinVar:

ClinVar aggregate classification (germline): Uncertain significance (1 of 4 stars; one submission).

Submission:

Labcorp Genetics (formerly Invitae), Labcorp
Classification: Uncertain significance. Last evaluated: 2022-07-17. Review status: criteria provided, single submitter. Criteria: Invitae Variant Classification Sherloc (09022015). Collection method: clinical testing. Allele origin: germline.
Comment: This variant has not been reported in the literature in individuals affected with LRP5-related conditions. This sequence change replaces alanine, which is neutral and non-polar, with glycine, which is neutral and non-polar, at codon 679 of the LRP5 protein (p.Ala679Gly). This variant is not present in population databases (gnomAD no frequency). Advanced modeling of protein sequence and biophysical properties (such as structural, functional, and spatial information, amino acid conservation, physicochemical variation, residue mobility, and thermodynamic stability) performed at Invitae indicates that this missense variant is not expected to disrupt LRP5 protein function. In summary, the available evidence is currently insufficient to determine the role of this variant in disease. Therefore, it has been classified as a Variant of Uncertain Significance.

NM_002335.4(LRP5):c.2036C>G (p.Ala679Gly)

Gene: LRP5 (LDL receptor related protein 5; plus strand). Cytogenetic location: 11q13.2.
Variant type: single nucleotide variant.
Coding change: c.2036C>G on transcript NM_002335.4 (MANE Select); coding-DNA position 2036, C replaced by G.
Protein change: p.Ala679Gly; replaces alanine 679 with glycine.
Molecular consequence: missense variant.
Genome position (GRCh38, 1-based): chr11:68,406,758, C>G. VCF-style: chr11-68406758-C-G. GRCh37 (hg19) VCF-style: chr11-68174226-C-G.
Other names: c.293C>G, p.Ala98Gly (NM_001291902.2); short protein forms A679G, A98G.
Identifiers: ClinVar variation 1955669 (VCV001955669.5), dbSNP rs2496720237, ClinGen allele CA381615816.